The following is an entry in ClinVar:

NM_177438.3(DICER1):c.1236G>A (p.Trp412Ter)

Gene: DICER1 (dicer 1, ribonuclease III; minus strand). Cytogenetic location: 14q32.13.
Variant type: single nucleotide variant.
Coding change: c.1236G>A on transcript NM_177438.3 (MANE Select); coding-DNA position 1236, G replaced by A.
Protein change: p.Trp412Ter; replaces tryptophan 412 with a stop codon.
Molecular consequence: nonsense.
Genome position (GRCh38, 1-based): chr14:95,124,336, C>T on the plus strand (G>A on the coding strand, the complement: DICER1 is on the minus strand). VCF-style: chr14-95124336-C-T. GRCh37 (hg19) VCF-style: chr14-95590673-C-T.
Other names: c.1236G>A, p.Trp412Ter (NM_001195573.1, NM_001271282.3, NM_001291628.2 and 1 more transcripts); short protein forms W412*.
Identifiers: ClinVar variation 849778 (VCV000849778.9), dbSNP rs1893200825, ClinGen allele CA390886569.

ClinVar aggregate classification (germline): Pathogenic (1 of 4 stars; one submission).

Conditions:
DICER1-related tumor predisposition. Also called: DICER1 syndrome; DICER1-related pleuropulmonary blastoma cancer predisposition syndrome. Identifiers: Orphanet 284343, MedGen C3839822, MONDO:0100216.

Submission:

Labcorp Genetics (formerly Invitae), Labcorp
Classification: Pathogenic for DICER1-related tumor predisposition. Last evaluated: 2019-12-22. Review status: criteria provided, single submitter. Criteria: Invitae Variant Classification Sherloc (09022015). Collection method: clinical testing. Allele origin: germline.
Comment: For these reasons, this variant has been classified as Pathogenic. Loss-of-function variants in DICER1 are known to be pathogenic (PMID: 19556464, 21266384). This variant has not been reported in the literature in individuals with DICER1-related conditions. This variant is not present in population databases (ExAC no frequency). This sequence change creates a premature translational stop signal (p.Trp412*) in the DICER1 gene. It is expected to result in an absent or disrupted protein product.

Literature cited by the submitters: PubMed 19556464; PubMed 21266384.